The following is an entry in ClinVar:

NM_000368.5(TSC1):c.2192A>C (p.Glu731Ala)

Gene: TSC1 (TSC complex subunit 1; minus strand). Cytogenetic location: 9q34.13.
Variant type: single nucleotide variant.
Coding change: c.2192A>C on transcript NM_000368.5 (MANE Select); coding-DNA position 2192, A replaced by C.
Protein change: p.Glu731Ala; replaces glutamic acid 731 with alanine.
Molecular consequence: missense variant.
Genome position (GRCh38, 1-based): chr9:132,903,667, T>G on the plus strand (A>C on the coding strand, the complement: TSC1 is on the minus strand). VCF-style: chr9-132903667-T-G. GRCh37 (hg19) VCF-style: chr9-135779054-T-G.
Other names: c.2189A>C, p.Glu730Ala (NM_001162426.2, NM_001406597.1, NM_001406598.1 and 4 more transcripts); c.2039A>C, p.Glu680Ala (NM_001162427.2, NM_001406610.1); c.1829A>C, p.Glu610Ala (NM_001362177.2, NM_001406615.1, NM_001406616.1 and 5 more transcripts); c.2192A>C, p.Glu731Ala (NM_001406592.1, NM_001406593.1, NM_001406594.1 and 5 more transcripts); c.2177A>C, p.Glu726Ala (NM_001406601.1, NM_001406602.1); c.2174A>C, p.Glu725Ala (NM_001406603.1, NM_001406604.1); c.1826A>C, p.Glu609Ala (NM_001406620.1, NM_001406621.1, NM_001406622.1 and 2 more transcripts); c.1241A>C, p.Glu414Ala (NM_001406626.1); and 3 more; short protein forms E609A, E610A, E725A, E731A, E380A, E413A, E679A, E726A.
Identifiers: ClinVar variation 2133325 (VCV002133325.4), dbSNP rs2538646096, ClinGen allele CA375360652.

ClinVar aggregate classification (germline): Uncertain significance (1 of 4 stars; one submission).

Conditions:
Tuberous sclerosis 1 (TSC1). Identifiers: Orphanet 805, MedGen C1854465, MONDO:0008612, OMIM 191100.

Submission:

Labcorp Genetics (formerly Invitae), Labcorp
Classification: Uncertain significance for Tuberous sclerosis 1. Last evaluated: 2022-05-04. Review status: criteria provided, single submitter. Criteria: Invitae Variant Classification Sherloc (09022015). Collection method: clinical testing. Allele origin: germline.
Comment: In summary, the available evidence is currently insufficient to determine the role of this variant in disease. Therefore, it has been classified as a Variant of Uncertain Significance. Algorithms developed to predict the effect of sequence changes on RNA splicing suggest that this variant may create or strengthen a splice site. Algorithms developed to predict the effect of missense changes on protein structure and function are either unavailable or do not agree on the potential impact of this missense change (SIFT: "Tolerated"; PolyPhen-2: "Possibly Damaging"; Align-GVGD: "Class C0"). This variant has not been reported in the literature in individuals affected with TSC1-related conditions. This variant is not present in population databases (gnomAD no frequency). This sequence change replaces glutamic acid, which is acidic and polar, with alanine, which is neutral and non-polar, at codon 731 of the TSC1 protein (p.Glu731Ala).